The following is an entry in ClinVar:

NM_000552.5(VWF):c.6846A>G (p.Thr2282=)

Gene: VWF (von Willebrand factor; minus strand). Cytogenetic location: 12p13.31.
Variant type: single nucleotide variant.
Coding change: c.6846A>G on transcript NM_000552.5 (MANE Select); coding-DNA position 6846, A replaced by G.
Protein change: p.Thr2282=; no amino-acid change (threonine 2282 retained).
Molecular consequence: synonymous variant.
Genome position (GRCh38, 1-based): chr12:5,985,618, T>C on the plus strand (A>G on the coding strand, the complement: VWF is on the minus strand). VCF-style: chr12-5985618-T-C. GRCh37 (hg19) VCF-style: chr12-6094784-T-C.
Other names: p.Thr2282=; NM_000552.5(VWF):c.6846A>G; c.6846A>G (NM_000552.4).
Identifiers: ClinVar variation 256694 (VCV000256694.18), dbSNP rs1053523, ClinGen allele CA6401882.

ClinVar aggregate classification (germline): Benign. Review status: reviewed by expert panel (3 of 4 stars). 12 submissions from 10 submitters: Benign (1). 11 of the submissions do not count toward it. Last evaluated 2025-12-02.

Conditions:
Hereditary von Willebrand disease. Identifiers: Orphanet 903, MedGen C5703318, MONDO:0019565. Inheritance: Autosomal recessive or Autosomal dominant.
von Willebrand disease type 2 (VWD2). Also called: VON WILLEBRAND DISEASE, TYPE 2A/IIE; VON WILLEBRAND DISEASE, TYPE 2CB; VWD, TYPE 2; VON WILLEBRAND DISEASE, TYPE II. Identifiers: Orphanet 166081, Orphanet 903, MedGen C1264040, MONDO:0013304, OMIM 613554.
von Willebrand disease type 1 (VWD1). Also called: VWD, TYPE 1; VON WILLEBRAND DISEASE, TYPE I. Identifiers: Orphanet 166078, Orphanet 903, MedGen C1264039, MONDO:0008668, OMIM 193400. Inheritance: autosomal recessive or autosomal dominant.
von Willebrand disease type 3 (VWD3). Also called: Type 3 Von Willebrand's disease; Type 3 VWD; Von Willebrand disease, severe form; V WD3; VON WILLEBRAND DISEASE, TYPE III. Identifiers: Orphanet 166096, MedGen C1264041, MONDO:0010191, OMIM 277480.

Allele frequency attached by ClinVar (database versions not stated): 1000 Genomes Project 0.10703; 1000 Genomes Project 30x 0.11087; gnomAD exomes 0.11684 and 0.14170; ExAC 0.11916; gnomAD 0.14911 and 0.15412; TOPMed 0.15192; ESP Exome Variant Server 0.16323.
gnomAD v4.1: 229,305 of 1,613,996 alleles (14%); highest among the groups gnomAD compares: African/African-American, 19%; 17,917 homozygotes.

Submissions (12):

ClinGen von Willebrand Disease Variant Curation Expert Panel, ClinGen
Classification: Benign for Hereditary von Willebrand disease. Last evaluated: 2025-12-02. Review status: reviewed by expert panel. Criteria: ClinGen VWD 2A B M Rules. Collection method: curation. Allele origin: germline.
Comment: The NM_000552.5(VWF):c.6846A>G (p.Thr2282=) variant is a synonymous variant that is not predicted by SpliceAI to impact splicing. In addition, it occurs at a nucleotide that is not conserved as shown by phyloP score of -5.72 (BP7). The variant also has an allele frequency greater than 5% based on 14552/75014 alleles in the African American population (BA1). In summary, this variant is classified as benign for Von Willebrand Disease (VWD) by the VWD variant curation expert panel (BP7, BA1). (specifications v1)

Women's Health and Genetics/Laboratory Corporation of America, LabCorp
Classification: Benign. Last evaluated: 2026-05-12. Review status: criteria provided, single submitter. Criteria: LabCorp Variant Classification Summary - May 2015. Collection method: clinical testing. Allele origin: germline. Not counted in ClinVar's aggregate classification.

Blueprint Genetics
Classification: Benign. Last evaluated: 2024-11-27. Review status: criteria provided, single submitter. Criteria: ACMG Guidelines, 2015. Collection method: clinical testing. Allele origin: germline. Not counted in ClinVar's aggregate classification.

Genome-Nilou Lab
Classification: Benign for von Willebrand disease type 1. Last evaluated: 2021-12-05. Review status: criteria provided, single submitter. Criteria: ACMG Guidelines, 2015. Collection method: clinical testing. Allele origin: germline. Affected: no. Not counted in ClinVar's aggregate classification.

Genome-Nilou Lab
Classification: Benign for von Willebrand disease type 3. Last evaluated: 2021-12-05. Review status: criteria provided, single submitter. Criteria: ACMG Guidelines, 2015. Collection method: clinical testing. Allele origin: germline. Affected: no. Not counted in ClinVar's aggregate classification.

Genome-Nilou Lab
Classification: Benign for von Willebrand disease type 2. Last evaluated: 2021-12-05. Review status: criteria provided, single submitter. Criteria: ACMG Guidelines, 2015. Collection method: clinical testing. Allele origin: germline. Affected: no. Not counted in ClinVar's aggregate classification.

Mayo Clinic Laboratories, Mayo Clinic
Classification: Benign. Last evaluated: 2016-05-26. Review status: criteria provided, single submitter. Criteria: ACMG Guidelines, 2015. Collection method: clinical testing. Allele origin: germline. Observed: 199 variant alleles. Not counted in ClinVar's aggregate classification.

Breakthrough Genomics
Classification: Likely benign. Review status: criteria provided, single submitter. Criteria: ACMG Guidelines, 2015. Collection method: not provided. Allele origin: germline. Inheritance: Autosomal recessive inheritance. Affected: yes. Not counted in ClinVar's aggregate classification.

PreventionGenetics, part of Exact Sciences
Classification: Benign. Review status: criteria provided, single submitter. Criteria: ACMG Guidelines, 2015. Collection method: clinical testing. Allele origin: germline. Not counted in ClinVar's aggregate classification.

Department of Pathology and Laboratory Medicine, Sinai Health System
Classification: Uncertain significance. Review status: no assertion criteria provided. Collection method: clinical testing. Allele origin: unknown. Affected: yes. Study: The Canadian Open Genetics Repository (COGR). Not counted in ClinVar's aggregate classification.
Comment: Allele frequency is common in at least one population database (frequency: 19.693% in gnomAD_Exomes) based on the frequency threshold of 0.5% for this gene. Variant was observed in a homozygous state in population databases more than expected for disease. A synonymous variant not located in a splice region.

Diagnostic Laboratory, Department of Genetics, University Medical Center Groningen
Classification: Benign. Review status: no assertion criteria provided. Collection method: clinical testing. Allele origin: germline. Affected: yes. Study: VKGL Data-share Consensus. Not counted in ClinVar's aggregate classification.

Joint Genome Diagnostic Labs from Nijmegen and Maastricht, Radboudumc and MUMC+
Classification: Benign. Review status: no assertion criteria provided. Collection method: clinical testing. Allele origin: germline. Affected: yes. Study: VKGL Data-share Consensus. Not counted in ClinVar's aggregate classification.